The following is an entry in ClinVar:

ClinVar aggregate classification (germline): Likely benign. Review status: criteria provided, multiple submitters, no conflicts (2 of 4 stars). 4 submissions from 4 submitters: Likely benign (4). Last evaluated 2025-04-17.

Conditions:
Cardiomyopathy (CMYO). Also called: Cardiomyopathies. Identifiers: Orphanet 167848, MedGen C0878544, MONDO:0004994, HP:0001638. Inheritance: Various modes of inheritance.
Hypertrophic cardiomyopathy. Also called: HYPERTROPHIC MYOCARDIOPATHY. Identifiers: Orphanet 217569, MedGen C0007194, MeSH D002312, MONDO:0005045, HP:0001639.
Cardiovascular phenotype. Identifiers: MedGen CN230736.

Allele frequency attached by ClinVar (database versions not stated): gnomAD 0.00001 and 0.00002; gnomAD exomes 0.00001; TOPMed 0.00002.
gnomAD v4.1: 12 of 1,614,112 alleles (0.00074%); highest among the groups gnomAD compares: African/African-American, 0.0027%; no homozygotes.

Submissions (4):

Labcorp Genetics (formerly Invitae), Labcorp
Classification: Likely benign for Hypertrophic cardiomyopathy. Last evaluated: 2025-04-17. Review status: criteria provided, single submitter. Criteria: Invitae Variant Classification Sherloc (09022015). Collection method: clinical testing. Allele origin: germline.

All of Us Research Program, National Institutes of Health
Classification: Likely benign for Hypertrophic cardiomyopathy. Last evaluated: 2023-10-27. Review status: criteria provided, single submitter. Criteria: ACMG Guidelines, 2015. Collection method: clinical testing. Allele origin: germline. Inheritance: Autosomal dominant inheritance. Observed: 5 variant alleles, 5 heterozygotes.
Comment: This study involves interpretation of variants in research participants for the purpose of population health screening. Participant phenotype was not available at the time of variant classification. Additional details can be found in publication PMID: 35346344, PMCID: PMC8962531

Ambry Genetics
Classification: Likely benign for Cardiovascular phenotype. Last evaluated: 2023-04-09. Review status: criteria provided, single submitter. Criteria: Ambry Variant Classification Scheme 2023. Collection method: clinical testing. Allele origin: germline.

Color Diagnostics, LLC DBA Color Health
Classification: Likely benign for Cardiomyopathy. Last evaluated: 2019-02-21. Review status: criteria provided, single submitter. Criteria: ACMG Guidelines, 2015. Collection method: clinical testing. Allele origin: germline.

NM_000258.3(MYL3):c.360C>T (p.His120=)

Gene: MYL3 (myosin light chain 3; minus strand). Cytogenetic location: 3p21.31.
Variant type: single nucleotide variant.
Coding change: c.360C>T on transcript NM_000258.3 (MANE Select); coding-DNA position 360, C replaced by T.
Protein change: p.His120=; no amino-acid change (histidine 120 retained).
Molecular consequence: synonymous variant.
Genome position (GRCh38, 1-based): chr3:46,859,596, G>A on the plus strand (C>T on the coding strand, the complement: MYL3 is on the minus strand). VCF-style: chr3-46859596-G-A. GRCh37 (hg19) VCF-style: chr3-46901086-G-A.
Identifiers: ClinVar variation 525130 (VCV000525130.13), dbSNP rs1314822874, ClinGen allele CA433474431.